The following is an entry in ClinVar:

ClinVar aggregate classification (germline): Uncertain significance. Review status: criteria provided, multiple submitters, no conflicts (2 of 4 stars). 2 submissions from 2 submitters: Uncertain significance (2). Last evaluated 2024-05-09.

Conditions:
Ataxia-telangiectasia syndrome (AT). Also called: Ataxia-telangiectasia; Ataxia-telangiectasia, complementation group D; AT, COMPLEMENTATION GROUP C; Ataxia-telangiectasia, complementation group E; LOUIS-BAR SYNDROME; Cerebello-oculocutaneous telangiectasia. Identifiers: Orphanet 100, MedGen C0004135, MONDO:0008840, OMIM 208900.
Hereditary cancer-predisposing syndrome. Also called: Neoplastic Syndromes, Hereditary; Tumor predisposition; Hereditary Cancer Syndrome; Hereditary neoplastic syndrome. Identifiers: Orphanet 140162, MedGen C0027672, MeSH D009386, MONDO:0015356.

gnomAD v4.1: 2 of 1,608,432 alleles (0.00012%); highest among the groups gnomAD compares: Middle Eastern, 0.017%; no homozygotes.

Submissions (2):

Ambry Genetics
Classification: Uncertain significance for Hereditary cancer-predisposing syndrome. Last evaluated: 2024-05-09. Review status: criteria provided, single submitter. Criteria: Ambry Variant Classification Scheme 2023. Collection method: clinical testing. Allele origin: germline.
Comment: The p.A2883V variant (also known as c.8648C>T), located in coding exon 58 of the ATM gene, results from a C to T substitution at nucleotide position 8648. The alanine at codon 2883 is replaced by valine, an amino acid with similar properties. This amino acid position is highly conserved in available vertebrate species. In addition, this alteration is predicted to be deleterious by in silico analysis. Based on the available evidence, the clinical significance of this variant remains unclear.

Labcorp Genetics (formerly Invitae), Labcorp
Classification: Uncertain significance for Ataxia-telangiectasia syndrome. Last evaluated: 2024-04-09. Review status: criteria provided, single submitter. Criteria: Invitae Variant Classification Sherloc (09022015). Collection method: clinical testing. Allele origin: germline.
Comment: This sequence change replaces alanine, which is neutral and non-polar, with valine, which is neutral and non-polar, at codon 2883 of the ATM protein (p.Ala2883Val). This variant is not present in population databases (gnomAD no frequency). This variant has not been reported in the literature in individuals affected with ATM-related conditions. An algorithm developed to predict the effect of missense changes on protein structure and function (PolyPhen-2) suggests that this variant is likely to be disruptive. In summary, the available evidence is currently insufficient to determine the role of this variant in disease. Therefore, it has been classified as a Variant of Uncertain Significance.

NM_000051.4(ATM):c.8648C>T (p.Ala2883Val)

Genes: ATM (ATM serine/threonine kinase; plus strand), C11orf65 (chromosome 11 open reading frame 65; minus strand). Cytogenetic location: 11q22.3.
Variant type: single nucleotide variant.
Coding change: c.8648C>T on transcript NM_000051.4 (MANE Select); coding-DNA position 8648, C replaced by T.
Protein change: p.Ala2883Val; replaces alanine 2883 with valine.
Molecular consequence: missense variant. On other transcripts: intron variant (2).
Genome position (GRCh38, 1-based): chr11:108,347,342, C>T. VCF-style: chr11-108347342-C-T. GRCh37 (hg19) VCF-style: chr11-108218069-C-T.
Other names: c.8648C>T, p.Ala2883Val (NM_001351834.2); c.641-38271G>A (NM_001330368.2); c.695-12050G>A (NM_001351110.2); short protein forms A2883V.
Identifiers: ClinVar variation 3324367 (VCV003324367.3).